The following is an entry in ClinVar:

ClinVar aggregate classification (germline): Uncertain significance. Review status: criteria provided, multiple submitters, no conflicts (2 of 4 stars). 7 submissions from 7 submitters: Uncertain significance (5). 2 of the submissions do not count toward it. Last evaluated 2026-08-20.

Conditions:
Inborn genetic diseases. Identifiers: MedGen C0950123, MeSH D030342.
Retinitis pigmentosa (RP). Identifiers: Orphanet 791, MedGen C0035334, MeSH D012174, MONDO:0019200, OMIM 268000. Inheritance: Autosomal dominant, autosomal recessive and X linked inheritance.
Retinitis pigmentosa 28 (RP28). Identifiers: Orphanet 791, MedGen C1419614, MONDO:0011630, OMIM 606068.
FAM161A-related disorder. Also called: FAM161A-related condition.
Retinal dystrophy. Also called: Inherited retinal dystrophy. Identifiers: Orphanet 71862, MedGen C0854723, MeSH D058499, MONDO:0019118, HP:0000556.

Allele frequency attached by ClinVar (database versions not stated): ExAC 0.00007; gnomAD exomes 0.00007 and 0.00009; gnomAD 0.00012 and 0.00013; TOPMed 0.00014; ESP Exome Variant Server 0.00017.
gnomAD v4.1: 150 of 1,613,918 alleles (0.0093%); highest among the groups gnomAD compares: Admixed American, 0.02%; no homozygotes.

Submissions (7):

PreventionGenetics, part of Exact Sciences
Classification: Uncertain significance for FAM161A-related condition. Last evaluated: 2026-08-20. Review status: criteria provided, single submitter. Criteria: ACMG Guidelines, 2015. Collection method: clinical testing. Allele origin: germline.
Comment: The FAM161A c.494A>G variant is predicted to result in the amino acid substitution p.Gln165Arg. To our knowledge, this variant has not been reported in the literature. This variant is reported in 0.013% of alleles in individuals of European (Non-Finnish) descent in gnomAD. At this time, the clinical significance of this variant is uncertain due to the absence of conclusive functional and genetic evidence.

Ambry Genetics
Classification: Uncertain significance for Inborn genetic diseases. Last evaluated: 2025-04-08. Review status: criteria provided, single submitter. Criteria: Ambry Variant Classification Scheme 2023. Collection method: clinical testing. Allele origin: germline.

Labcorp Genetics (formerly Invitae), Labcorp
Classification: Uncertain significance. Last evaluated: 2022-07-26. Review status: criteria provided, single submitter. Criteria: Invitae Variant Classification Sherloc (09022015). Collection method: clinical testing. Allele origin: germline.
Comment: This sequence change replaces glutamine, which is neutral and polar, with arginine, which is basic and polar, at codon 165 of the FAM161A protein (p.Gln165Arg). This variant is present in population databases (rs201088869, gnomAD 0.01%). This variant has not been reported in the literature in individuals affected with FAM161A-related conditions. ClinVar contains an entry for this variant (Variation ID: 808753). Algorithms developed to predict the effect of missense changes on protein structure and function output the following: SIFT: "Tolerated"; PolyPhen-2: "Benign"; Align-GVGD: "Class C0". The arginine amino acid residue is found in multiple mammalian species, which suggests that this missense change does not adversely affect protein function. In summary, the available evidence is currently insufficient to determine the role of this variant in disease. Therefore, it has been classified as a Variant of Uncertain Significance.

CeGaT Center for Human Genetics Tuebingen
Classification: Uncertain significance. Last evaluated: 2018-04-01. Review status: criteria provided, single submitter. Criteria: CeGaT Center For Human Genetics Tuebingen Variant Classification Criteria Version 2. Collection method: clinical testing. Allele origin: germline. Affected: yes. Observed: 1 variant allele.

Illumina Laboratory Services, Illumina
Classification: Uncertain significance for Retinitis pigmentosa. Last evaluated: 2018-01-12. Review status: criteria provided, single submitter. Criteria: ICSL Variant Classification Criteria 13 December 2019. Collection method: clinical testing. Allele origin: germline.

Institute of Human Genetics, Univ. Regensburg, Univ. Regensburg
Classification: Uncertain significance for Retinal dystrophy. Last evaluated: 2022-01-01. Review status: no assertion criteria provided. Criteria: ACMG Guidelines, 2015. Collection method: clinical testing. Allele origin: germline. Affected: yes. Not counted in ClinVar's aggregate classification.

Natera, Inc.
Classification: Uncertain significance for Retinitis pigmentosa type 28. Last evaluated: 2019-11-11. Review status: no assertion criteria provided. Collection method: clinical testing. Allele origin: germline. Not counted in ClinVar's aggregate classification.

NM_001201543.2(FAM161A):c.494A>G (p.Gln165Arg)

Gene: FAM161A (FAM161 centrosomal protein A; minus strand). Cytogenetic location: 2p15.
Variant type: single nucleotide variant.
Coding change: c.494A>G on transcript NM_001201543.2 (MANE Select); coding-DNA position 494, A replaced by G.
Protein change: p.Gln165Arg; replaces glutamine 165 with arginine.
Molecular consequence: missense variant. On other transcripts: non-coding transcript variant (1).
Genome position (GRCh38, 1-based): chr2:61,840,510, T>C on the plus strand (A>G on the coding strand, the complement: FAM161A is on the minus strand). VCF-style: chr2-61840510-T-C. GRCh37 (hg19) VCF-style: chr2-62067645-T-C.
Other names: c.494A>G, p.Gln165Arg (NM_032180.3); short protein forms Q165R.
Identifiers: ClinVar variation 808753 (VCV000808753.51), dbSNP rs201088869, ClinGen allele CA1679343.